The following is an entry in ClinVar:

ClinVar aggregate classification (germline): Uncertain significance (1 of 4 stars; one submission).

Submission:

Labcorp Genetics (formerly Invitae), Labcorp
Classification: Uncertain significance. Last evaluated: 2023-04-05. Review status: criteria provided, single submitter. Criteria: Invitae Variant Classification Sherloc (09022015). Collection method: clinical testing. Allele origin: germline.
Comment: In summary, the available evidence is currently insufficient to determine the role of this variant in disease. Therefore, it has been classified as a Variant of Uncertain Significance. Experimental studies and prediction algorithms are not available or were not evaluated, and the functional significance of this variant is currently unknown. This variant has not been reported in the literature in individuals affected with NTHL1-related conditions. This variant results in a copy number gain of the genomic region encompassing exon(s) 5-6 of the NTHL1 gene. This region includes the termination codon of the gene. This copy number gain extends beyond the assayed region for this gene and therefore may encompass additional genes. As the precise location of this event is unknown, it may be in tandem or it may be located elsewhere in the genome.

NC_000016.10:g.(?_2039924)_(2040248_?)dup

Gene: NTHL1 (nth like DNA glycosylase 1; minus strand). Cytogenetic location: 16p13.3.
Variant type: Duplication.
Identifiers: ClinVar variation 830775 (VCV000830775.6).